The following is an entry in ClinVar:

NM_001367624.2(ZNF469):c.11060C>T (p.Ser3687Phe)

Gene: ZNF469 (zinc finger protein 469; plus strand). Cytogenetic location: 16q24.2.
Variant type: single nucleotide variant.
Coding change: c.11060C>T on transcript NM_001367624.2 (MANE Select); coding-DNA position 11060, C replaced by T.
Protein change: p.Ser3687Phe; replaces serine 3687 with phenylalanine.
Molecular consequence: missense variant.
Genome position (GRCh38, 1-based): chr16:88,438,530, C>T. VCF-style: chr16-88438530-C-T. GRCh37 (hg19) VCF-style: chr16-88504938-C-T.
Other names: NM_001127464.1:c.10976C>T; p.Ser3687Phe; NM_001127464.2:c.10976C>T; short protein forms S3687F.
Identifiers: ClinVar variation 1415233 (VCV001415233.10), dbSNP rs745344513, ClinGen allele CA8225576.

ClinVar aggregate classification (germline): Uncertain significance. Review status: criteria provided, multiple submitters, no conflicts (2 of 4 stars). 5 submissions from 5 submitters: Uncertain significance (5). Last evaluated 2026-07-28.

Conditions:
ZNF469-related disorder. Also called: ZNF469-related condition.
Cardiovascular phenotype. Identifiers: MedGen CN230736.

Allele frequency attached by ClinVar (database versions not stated): gnomAD exomes 0.00002; gnomAD 0.00005 and 0.00006; ExAC 0.00006; TOPMed 0.00009.
gnomAD v4.1: 30 of 1,550,010 alleles (0.0019%); highest among the groups gnomAD compares: African/African-American, 0.0041%; no homozygotes.

Submissions (5):

PreventionGenetics, part of Exact Sciences
Classification: Uncertain significance for ZNF469-related condition. Last evaluated: 2026-07-28. Review status: criteria provided, single submitter. Criteria: ACMG Guidelines, 2015. Collection method: clinical testing. Allele origin: germline.
Comment: The ZNF469 c.10976C>T variant is predicted to result in the amino acid substitution p.Ser3659Phe. To our knowledge, this variant has not been reported in the literature. This variant is reported in 0.012% of alleles in individuals of African descent in gnomAD. At this time, the clinical significance of this variant is uncertain due to the absence of conclusive functional and genetic evidence.

Mayo Clinic Laboratories, Mayo Clinic
Classification: Uncertain significance. Last evaluated: 2025-10-16. Review status: criteria provided, single submitter. Criteria: ACMG Guidelines, 2015. Collection method: clinical testing. Allele origin: germline. Observed: 1 variant allele.
Comment: BP4_moderate

Women's Health and Genetics/Laboratory Corporation of America, LabCorp
Classification: Uncertain significance. Last evaluated: 2025-09-16. Review status: criteria provided, single submitter. Criteria: LabCorp Variant Classification Summary - May 2015. Collection method: clinical testing. Allele origin: germline.
Comment: Variant summary: ZNF469 c.11060C>T (p.Ser3687Phe) results in a non-conservative amino acid change in the encoded protein sequence. Algorithms developed to predict the effect of missense changes on protein structure and function are either unavailable or do not agree on the potential impact of this missense change. The variant allele was found at a frequency of 2e-05 in 147704 control chromosomes. The available data on variant occurrences in the general population are insufficient to allow any conclusion about variant significance. To our knowledge, no occurrence of c.11060C>T in individuals affected with ZNF469-related conditions and no experimental evidence demonstrating its impact on protein function have been reported. ClinVar contains an entry for this variant (Variation ID: 1415233). Based on the evidence outlined above, the variant was classified as uncertain significance.

Labcorp Genetics (formerly Invitae), Labcorp
Classification: Uncertain significance. Last evaluated: 2025-07-08. Review status: criteria provided, single submitter. Criteria: Invitae Variant Classification Sherloc (09022015). Collection method: clinical testing. Allele origin: germline.
Comment: This sequence change replaces serine, which is neutral and polar, with phenylalanine, which is neutral and non-polar, at codon 3659 of the ZNF469 protein (p.Ser3659Phe). This variant is present in population databases (rs745344513, gnomAD 0.02%). This variant has not been reported in the literature in individuals affected with ZNF469-related conditions. ClinVar contains an entry for this variant (Variation ID: 1415233). An algorithm developed to predict the effect of missense changes on protein structure and function (PolyPhen-2) suggests that this variant is likely to be disruptive. In summary, the available evidence is currently insufficient to determine the role of this variant in disease. Therefore, it has been classified as a Variant of Uncertain Significance.

Ambry Genetics
Classification: Uncertain significance for Cardiovascular phenotype. Last evaluated: 2024-08-24. Review status: criteria provided, single submitter. Criteria: Ambry Variant Classification Scheme 2023. Collection method: clinical testing. Allele origin: germline.
Comment: The p.S3659F variant (also known as c.10976C>T), located in coding exon 2 of the ZNF469 gene, results from a C to T substitution at nucleotide position 10976. The serine at codon 3659 is replaced by phenylalanine, an amino acid with highly dissimilar properties. This amino acid position is conserved. In addition, this alteration is predicted to be tolerated by in silico analysis. Since supporting evidence is limited at this time, the clinical significance of this alteration remains unclear.